The following is an entry in ClinVar:

NM_144639.3(UROC1):c.1806C>T (p.Asn602=)

Gene: UROC1 (urocanate hydratase 1; minus strand). Cytogenetic location: 3q21.3.
Variant type: single nucleotide variant.
Coding change: c.1806C>T on transcript NM_144639.3 (MANE Select); coding-DNA position 1806, C replaced by T.
Protein change: p.Asn602=; no amino-acid change (asparagine 602 retained).
Molecular consequence: synonymous variant.
Genome position (GRCh38, 1-based): chr3:126,483,453, G>A on the plus strand (C>T on the coding strand, the complement: UROC1 is on the minus strand). VCF-style: chr3-126483453-G-A. GRCh37 (hg19) VCF-style: chr3-126202296-G-A.
Other names: c.1986C>T, p.Asn662= (NM_001165974.2).
Identifiers: ClinVar variation 4083757 (VCV004083757.8).

ClinVar aggregate classification (germline): Likely benign (1 of 4 stars; one submission).

gnomAD v4.1: 253 of 1,613,656 alleles (0.016%); highest among the groups gnomAD compares: Middle Eastern, 0.066%; 1 homozygote.

Submission:

CeGaT Center for Human Genetics Tuebingen
Classification: Likely benign. Last evaluated: 2025-07-01. Review status: criteria provided, single submitter. Criteria: CeGaT Center For Human Genetics Tuebingen Variant Classification Criteria Version 2. Collection method: clinical testing. Allele origin: germline. Affected: yes. Observed: 1 variant allele.
Comment: UROC1: BP4, BP7